The following is an entry in ClinVar:

NM_001378414.1(HDAC4):c.2242G>A (p.Ala748Thr)

Gene: HDAC4 (histone deacetylase 4; minus strand). Cytogenetic location: 2q37.3.
Variant type: single nucleotide variant.
Coding change: c.2242G>A on transcript NM_001378414.1 (MANE Select); coding-DNA position 2242, G replaced by A.
Protein change: p.Ala748Thr; replaces alanine 748 with threonine.
Molecular consequence: missense variant.
Genome position (GRCh38, 1-based): chr2:239,095,048, C>T on the plus strand (G>A on the coding strand, the complement: HDAC4 is on the minus strand). VCF-style: chr2-239095048-C-T. GRCh37 (hg19) VCF-style: chr2-240016744-C-T.
Other names: c.2242G>A, p.Ala748Thr (NM_001378415.1); c.2227G>A, p.Ala743Thr (NM_001378416.1, NM_001378417.1, NM_006037.4); c.2227G>A (NM_006037.3); short protein forms A748T, A743T.
Identifiers: ClinVar variation 2807704 (VCV002807704.4), dbSNP rs147090090, ClinGen allele CA2199506.

ClinVar aggregate classification (germline): Conflicting classifications of pathogenicity. Review status: criteria provided, conflicting classifications (1 of 4 stars). 2 submissions from 2 submitters: Uncertain significance (1); Likely benign (1). Last evaluated 2024-09-09.

Conditions:
Inborn genetic diseases. Identifiers: MedGen C0950123, MeSH D030342.

Allele frequency attached by ClinVar (database versions not stated): ExAC 0.00008; TOPMed 0.00012; gnomAD 0.00007; gnomAD exomes 0.00007; ESP Exome Variant Server 0.00015.

Submissions (2):

Labcorp Genetics (formerly Invitae), Labcorp
Classification: Uncertain significance. Last evaluated: 2024-09-09. Review status: criteria provided, single submitter. Criteria: Invitae Variant Classification Sherloc (09022015). Collection method: clinical testing. Allele origin: germline.
Comment: This sequence change replaces alanine, which is neutral and non-polar, with threonine, which is neutral and polar, at codon 743 of the HDAC4 protein (p.Ala743Thr). This variant is present in population databases (rs147090090, gnomAD 0.02%). This variant has not been reported in the literature in individuals affected with HDAC4-related conditions. Invitae Evidence Modeling of protein sequence and biophysical properties (such as structural, functional, and spatial information, amino acid conservation, physicochemical variation, residue mobility, and thermodynamic stability) indicates that this missense variant is not expected to disrupt HDAC4 protein function with a negative predictive value of 80%. In summary, the available evidence is currently insufficient to determine the role of this variant in disease. Therefore, it has been classified as a Variant of Uncertain Significance.

Ambry Genetics
Classification: Likely benign for Inborn genetic diseases. Last evaluated: 2022-01-05. Review status: criteria provided, single submitter. Criteria: Ambry Variant Classification Scheme 2023. Collection method: clinical testing. Allele origin: germline.